The following is an entry in ClinVar:

ClinVar aggregate classification (germline): Uncertain significance (1 of 4 stars; one submission).

Conditions:
Gorlin syndrome. Also called: Basal cell nevus syndrome; Nevoid Basal Cell Carcinoma Syndrome. Identifiers: Orphanet 377, MedGen C0004779, MONDO:0007187.

Allele frequency attached by ClinVar (database versions not stated): TOPMed below 0.00001.

Submission:

Labcorp Genetics (formerly Invitae), Labcorp
Classification: Uncertain significance for Gorlin syndrome. Last evaluated: 2022-02-20. Review status: criteria provided, single submitter. Criteria: Invitae Variant Classification Sherloc (09022015). Collection method: clinical testing. Allele origin: germline.
Comment: In summary, the available evidence is currently insufficient to determine the role of this variant in disease. Therefore, it has been classified as a Variant of Uncertain Significance. Algorithms developed to predict the effect of missense changes on protein structure and function (SIFT, PolyPhen-2, Align-GVGD) all suggest that this variant is likely to be disruptive. This variant has not been reported in the literature in individuals affected with PTCH1-related conditions. This variant is not present in population databases (gnomAD no frequency). This sequence change replaces aspartic acid, which is acidic and polar, with histidine, which is basic and polar, at codon 260 of the PTCH1 protein (p.Asp260His).

NM_000264.5(PTCH1):c.778G>C (p.Asp260His)

Gene: PTCH1 (patched 1; minus strand). Cytogenetic location: 9q22.32.
Variant type: single nucleotide variant.
Coding change: c.778G>C on transcript NM_000264.5 (MANE Select); coding-DNA position 778, G replaced by C.
Protein change: p.Asp260His; replaces aspartic acid 260 with histidine.
Molecular consequence: missense variant. On other transcripts: non-coding transcript variant (1).
Genome position (GRCh38, 1-based): chr9:95,480,557, C>G on the plus strand (G>C on the coding strand, the complement: PTCH1 is on the minus strand). VCF-style: chr9-95480557-C-G. GRCh37 (hg19) VCF-style: chr9-98242839-C-G.
Other names: c.580G>C, p.Asp194His (NM_001083602.3); c.775G>C, p.Asp259His (NM_001083603.3); c.325G>C, p.Asp109His (NM_001083604.3, NM_001083605.3, NM_001083606.3 and 1 more transcripts); c.778G>C, p.Asp260His (NM_001354918.2); short protein forms D259H, D194H, D260H, D109H.
Identifiers: ClinVar variation 2100547 (VCV002100547.4), dbSNP rs765174527, ClinGen allele CA374114452.